The following is an entry in ClinVar:

ClinVar aggregate classification (germline): Uncertain significance (1 of 4 stars; one submission).

Allele frequency attached by ClinVar (database versions not stated): gnomAD exomes below 0.00001; ExAC 0.00001; gnomAD 0.00003; TOPMed 0.00005; ESP Exome Variant Server 0.00008.
gnomAD v4.1: 11 of 1,594,518 alleles (0.00069%); highest among the groups gnomAD compares: African/African-American, 0.011%; no homozygotes.

Submission:

Labcorp Genetics (formerly Invitae), Labcorp
Classification: Uncertain significance. Last evaluated: 2025-06-12. Review status: criteria provided, single submitter. Criteria: Invitae Variant Classification Sherloc (09022015). Collection method: clinical testing. Allele origin: germline.
Comment: This sequence change replaces isoleucine, which is neutral and non-polar, with methionine, which is neutral and non-polar, at codon 123 of the TPRKB protein (p.Ile123Met). The frequency data for this variant in the population databases is considered unreliable, as metrics indicate poor data quality at this position in the gnomAD database. This variant has not been reported in the literature in individuals affected with TPRKB-related conditions. ClinVar contains an entry for this variant (Variation ID: 2185129). An algorithm developed to predict the effect of missense changes on protein structure and function (PolyPhen-2) suggests that this variant is likely to be tolerated. In summary, the available evidence is currently insufficient to determine the role of this variant in disease. Therefore, it has been classified as a Variant of Uncertain Significance.

NM_016058.5(TPRKB):c.369A>G (p.Ile123Met)

Gene: TPRKB (TP53RK binding protein; minus strand). Cytogenetic location: 2p13.1.
Variant type: single nucleotide variant.
Coding change: c.369A>G on transcript NM_016058.5 (MANE Select); coding-DNA position 369, A replaced by G.
Protein change: p.Ile123Met; replaces isoleucine 123 with methionine.
Molecular consequence: missense variant.
Genome position (GRCh38, 1-based): chr2:73,730,632, T>C on the plus strand (A>G on the coding strand, the complement: TPRKB is on the minus strand). VCF-style: chr2-73730632-T-C. GRCh37 (hg19) VCF-style: chr2-73957759-T-C.
Other names: c.486A>G, p.Ile162Met (NM_001330386.2, NM_001330387.2); c.369A>G, p.Ile123Met (NM_001330388.2, NM_001330389.2); c.315A>G, p.Ile105Met (NM_001330390.2); c.270A>G, p.Ile90Met (NM_001330391.2, NM_001330392.2); short protein forms I90M, I105M, I162M, I123M.
Identifiers: ClinVar variation 2185129 (VCV002185129.4), dbSNP rs371941818, ClinGen allele CA1716384.
Genomic context (GRCh38, chr2:73,730,632, plus strand): 5'-TGTAATATTCATTATTTCAGGAAGATTTTTCAGAGAAACCTGATGACCTTCTACTTGAGA[T>C]ATTAGGTATTCTTGATTTATTTGTTTTTCTCCCTCTTCAATGTAAACAATTAGAATTGAA-3'
Protein context (NP_057142.1, residues 113-133): GEKQINQEYL[Ile123Met]SQVEGHQVSL